The following is an entry in ClinVar:

ClinVar aggregate classification (germline): Pathogenic (1 of 4 stars; one submission).

Conditions:
Hereditary cancer-predisposing syndrome. Also called: Hereditary Cancer Syndrome; Tumor predisposition; Hereditary neoplastic syndrome; Neoplastic Syndromes, Hereditary. Identifiers: Orphanet 140162, MedGen C0027672, MeSH D009386, MONDO:0015356.

gnomAD v4.1: 1 of 1,614,004 alleles (0.000062%); highest among the groups gnomAD compares: East Asian, 0.0022%; no homozygotes.

Submission:

Ambry Genetics
Classification: Pathogenic for Hereditary cancer-predisposing syndrome. Last evaluated: 2024-10-11. Review status: criteria provided, single submitter. Criteria: Ambry Variant Classification Scheme 2023. Collection method: clinical testing. Allele origin: germline.
Comment: The p.Q105* pathogenic mutation (also known as c.313C>T), located in coding exon 2 of the MSH3 gene, results from a C to T substitution at nucleotide position 313. This changes the amino acid from a glutamine to a stop codon within coding exon 2. This variant is considered to be rare based on population cohorts in the Genome Aggregation Database (gnomAD). This alteration is expected to result in loss of function by premature protein truncation or nonsense-mediated mRNA decay. As such, this alteration is interpreted as a disease-causing mutation.

NM_002439.5(MSH3):c.313C>T (p.Gln105Ter)

Gene: MSH3 (mutS homolog 3; plus strand). Cytogenetic location: 5q14.1.
Variant type: single nucleotide variant.
Coding change: c.313C>T on transcript NM_002439.5 (MANE Select); coding-DNA position 313, C replaced by T.
Protein change: p.Gln105Ter; replaces glutamine 105 with a stop codon.
Molecular consequence: nonsense.
Genome position (GRCh38, 1-based): chr5:80,656,486, C>T. VCF-style: chr5-80656486-C-T. GRCh37 (hg19) VCF-style: chr5-79952305-C-T.
Other names: short protein forms Q105*.
Identifiers: ClinVar variation 3398674 (VCV003398674.1).